The following is an entry in ClinVar:

ClinVar aggregate classification (germline): Uncertain significance. Review status: criteria provided, multiple submitters, no conflicts (2 of 4 stars). 2 submissions from 2 submitters: Uncertain significance (2). Last evaluated 2026-03-24.

Conditions:
Ehlers-Danlos syndrome, type 4 (EDSVASC). Also called: Ehlers-Danlos syndrome vascular type; Ehlers Danlos syndrome, ecchymotic type; Ehlers Danlos syndrome, arterial type; Ehlers Danlos syndrome, Sack-Barabas type; Ehlers-Danlos Syndrome Type IV. Identifiers: Orphanet 286, MedGen C0268338, MONDO:0017314, OMIM 130050.

gnomAD v4.1: 1 of 1,613,428 alleles (0.000062%); highest among the groups gnomAD compares: Admixed American, 0.0017%; no homozygotes.

Submissions (2):

Women's Health and Genetics/Laboratory Corporation of America, LabCorp
Classification: Uncertain significance. Last evaluated: 2026-03-24. Review status: criteria provided, single submitter. Criteria: LabCorp Variant Classification Summary - May 2015. Collection method: clinical testing. Allele origin: germline.
Comment: Variant summary: COL3A1 c.1924-3T>C alters a conserved nucleotide located close to a canonical splice site and therefore could affect mRNA splicing, leading to a significantly altered protein sequence. Consensus agreement among computation tools predict no significant impact on normal splicing. However, these predictions have yet to be confirmed by functional studies. The variant allele was found at a frequency of 4e-06 in 250852 control chromosomes. The available data on variant occurrences in the general population are insufficient to allow any conclusion about variant significance. To our knowledge, no occurrence of c.1924-3T>C in individuals affected with COL3A1-related conditions and no experimental evidence demonstrating its impact on protein function have been reported. ClinVar contains an entry for this variant (Variation ID: 4708164). Based on the evidence outlined above, the variant was classified as uncertain significance.

Labcorp Genetics (formerly Invitae), Labcorp
Classification: Uncertain significance for Ehlers-Danlos syndrome, type 4. Last evaluated: 2025-03-06. Review status: criteria provided, single submitter. Criteria: Invitae Variant Classification Sherloc (09022015). Collection method: clinical testing. Allele origin: germline.
Comment: This sequence change falls in intron 27 of the COL3A1 gene. It does not directly change the encoded amino acid sequence of the COL3A1 protein. It affects a nucleotide within the consensus splice site. This variant is present in population databases (no rsID available, gnomAD 0.003%). This variant has not been reported in the literature in individuals affected with COL3A1-related conditions. Variants that disrupt the consensus splice site are a relatively common cause of aberrant splicing (PMID: 17576681, 9536098). Algorithms developed to predict the effect of sequence changes on RNA splicing suggest that this variant is not likely to affect RNA splicing. In summary, the available evidence is currently insufficient to determine the role of this variant in disease. Therefore, it has been classified as a Variant of Uncertain Significance.

Literature cited by the submitters: PubMed 17576681 (cited by Labcorp Genetics (formerly Invitae), Labcorp); PubMed 9536098 (cited by Labcorp Genetics (formerly Invitae), Labcorp).

NM_000090.4(COL3A1):c.1924-3T>C

Gene: COL3A1 (collagen type III alpha 1 chain; plus strand). Cytogenetic location: 2q32.2.
Variant type: single nucleotide variant.
Coding change: c.1924-3T>C on transcript NM_000090.4 (MANE Select); 3 bases into the intron before coding-DNA position 1924, T replaced by C.
Molecular consequence: intron variant.
Genome position (GRCh38, 1-based): chr2:188,998,263, T>C. VCF-style: chr2-188998263-T-C. GRCh37 (hg19) VCF-style: chr2-189862989-T-C.
Identifiers: ClinVar variation 4708164 (VCV004708164.2).